The following is an entry in ClinVar:

ClinVar aggregate classification (germline): Likely benign (0 of 4 stars; one submission).

Conditions:
NRP1-related disorder. Also called: NRP1-related condition.

Allele frequency attached by ClinVar (database versions not stated): gnomAD exomes 0.00001; ExAC 0.00002; TOPMed 0.00002.
gnomAD v4.1: 18 of 1,614,072 alleles (0.0011%); highest among the groups gnomAD compares: South Asian, 0.0055%; no homozygotes.

Submission:

PreventionGenetics, part of Exact Sciences
Classification: Likely benign for NRP1-related condition. Last evaluated: 2023-08-30. Review status: no assertion criteria provided. Collection method: clinical testing. Allele origin: germline.
Comment: This variant is classified as likely benign based on ACMG/AMP sequence variant interpretation guidelines (Richards et al. 2015 PMID: 25741868, with internal and published modifications).

NM_003873.7(NRP1):c.1425C>T (p.Pro475=)

Gene: NRP1 (neuropilin 1; minus strand). Cytogenetic location: 10p11.22.
Variant type: single nucleotide variant.
Coding change: c.1425C>T on transcript NM_003873.7 (MANE Select); coding-DNA position 1425, C replaced by T.
Protein change: p.Pro475=; no amino-acid change (proline 475 retained).
Molecular consequence: synonymous variant. On other transcripts: non-coding transcript variant (1).
Genome position (GRCh38, 1-based): chr10:33,213,575, G>A on the plus strand (C>T on the coding strand, the complement: NRP1 is on the minus strand). VCF-style: chr10-33213575-G-A. GRCh37 (hg19) VCF-style: chr10-33502503-G-A.
Other names: c.1425C>T, p.Pro475= (NM_001024628.3, NM_001024629.3, NM_001244972.2 and 2 more transcripts).
Identifiers: ClinVar variation 3031388 (VCV003031388.2), dbSNP rs762815615, ClinGen allele CA5466652.
Genomic context (GRCh38, chr10:33,213,575, plus strand): 5'-CACGATCTTCTCCTCCCCCAGGTCTATTTGGAGCCACTCATTGATGTAGGAATGAGGTGC[G>A]GGTGGAAGTGCCCAGCCAGAGCGACTGGTTACCAGGCGGATGTTTTCAGGCATCCAGTTT-3'
Protein context (NP_003864.5, residues 465-485): VTSRSGWALP[Pro475=]APHSYINEWL